The following is an entry in ClinVar:

NM_003172.4(SURF1):c.241-7A>G

Gene: SURF1 (SURF1 cytochrome c oxidase assembly factor; minus strand). Cytogenetic location: 9q34.2.
Variant type: single nucleotide variant.
Coding change: c.241-7A>G on transcript NM_003172.4 (MANE Select); 7 bases into the intron before coding-DNA position 241, A replaced by G.
Molecular consequence: intron variant.
Genome position (GRCh38, 1-based): chr9:133,354,748, T>C on the plus strand (A>G on the coding strand, the complement: SURF1 is on the minus strand). VCF-style: chr9-133354748-T-C. GRCh37 (hg19) VCF-style: chr9-136221603-T-C.
Other names: c.-87-7A>G (NM_001280787.1).
Identifiers: ClinVar variation 510539 (VCV000510539.4), dbSNP rs997493975, ClinGen allele CA658797342.

ClinVar aggregate classification (germline): Likely benign. Review status: criteria provided, multiple submitters, no conflicts (2 of 4 stars). 2 submissions from 2 submitters: Likely benign (2). Last evaluated 2023-07-29.

Conditions:
Leigh syndrome (NULS). Also called: Leigh's syndrome; Subacute necrotizing encephalopathy; Necrotizing encephalopathy infantile subacute of Leigh; Leigh Disease; Leigh's necrotizing encephalopathy; Leigh's disease. Identifiers: Orphanet 506, MedGen C2931891, MONDO:0009723, OMIM 256000.

gnomAD v4.1: 1 of 1,613,588 alleles (0.000062%); highest among the groups gnomAD compares: Non-Finnish European, 0.000085%; no homozygotes.

Submissions (2):

Labcorp Genetics (formerly Invitae), Labcorp
Classification: Likely benign for Leigh syndrome. Last evaluated: 2023-07-29. Review status: criteria provided, single submitter. Criteria: Invitae Variant Classification Sherloc (09022015). Collection method: clinical testing. Allele origin: germline.

GeneDx
Classification: Likely benign. Last evaluated: 2017-06-26. Review status: criteria provided, single submitter. Criteria: GeneDx Variant Classification (06012015). Collection method: clinical testing. Allele origin: germline. Affected: yes.
Comment: This variant is considered likely benign or benign based on one or more of the following criteria: it is a conservative change, it occurs at a poorly conserved position in the protein, it is predicted to be benign by multiple in silico algorithms, and/or has population frequency not consistent with disease.